The following is an entry in ClinVar:

ClinVar aggregate classification (germline): Likely benign. Review status: criteria provided, multiple submitters, no conflicts (2 of 4 stars). 3 submissions from 3 submitters: Likely benign (2). 1 of the submissions does not count toward it. Last evaluated 2026-02-01.

Conditions:
ANXA11-related disorder. Also called: ANXA11-related condition.

Allele frequency attached by ClinVar (database versions not stated): 1000 Genomes Project 0.00060; 1000 Genomes Project 30x 0.00062; gnomAD 0.00090 and 0.00091; TOPMed 0.00093; ESP Exome Variant Server 0.00123.
gnomAD v4.1: 2,368 of 1,544,506 alleles (0.15%); highest among the groups gnomAD compares: Non-Finnish European, 0.19%; 1 homozygote.

Submissions (3):

CeGaT Center for Human Genetics Tuebingen
Classification: Likely benign. Last evaluated: 2026-02-01. Review status: criteria provided, single submitter. Criteria: CeGaT Center For Human Genetics Tuebingen Variant Classification Criteria Version 2. Collection method: clinical testing. Allele origin: germline. Affected: yes. Observed: 2 variant alleles.
Comment: ANXA11: BP4, BS1

Labcorp Genetics (formerly Invitae), Labcorp
Classification: Likely benign. Last evaluated: 2026-01-25. Review status: criteria provided, single submitter. Criteria: Invitae Variant Classification Sherloc (09022015). Collection method: clinical testing. Allele origin: germline.

PreventionGenetics, part of Exact Sciences
Classification: Likely benign for ANXA11-related condition. Last evaluated: 2021-03-26. Review status: no assertion criteria provided. Collection method: clinical testing. Allele origin: germline. Not counted in ClinVar's aggregate classification.
Comment: This variant is classified as likely benign based on ACMG/AMP sequence variant interpretation guidelines (Richards et al. 2015 PMID: 25741868, with internal and published modifications).

NM_145868.2(ANXA11):c.520C>T (p.Pro174Ser)

Gene: ANXA11 (annexin A11; minus strand). Cytogenetic location: 10q22.3.
Variant type: single nucleotide variant.
Coding change: c.520C>T on transcript NM_145868.2 (MANE Select); coding-DNA position 520, C replaced by T.
Protein change: p.Pro174Ser; replaces proline 174 with serine.
Molecular consequence: missense variant.
Genome position (GRCh38, 1-based): chr10:80,169,010, G>A on the plus strand (C>T on the coding strand, the complement: ANXA11 is on the minus strand). VCF-style: chr10-80169010-G-A. GRCh37 (hg19) VCF-style: chr10-81928766-G-A.
Other names: c.520C>T, p.Pro174Ser (NM_001157.3, NM_001278407.2, NM_001278408.2 and 1 more transcripts); c.421C>T, p.Pro141Ser (NM_001278409.2); c.520C>T (NM_145869.1); short protein forms P141S, P174S.
Identifiers: ClinVar variation 1540963 (VCV001540963.14), dbSNP rs144975299, ClinGen allele CA5576262.